The following is an entry in ClinVar:

ClinVar aggregate classification (germline): Likely pathogenic. Review status: reviewed by expert panel (3 of 4 stars). 2 submissions from 2 submitters: Likely pathogenic (1). 1 of the submissions does not count toward it. Last evaluated 2024-05-02.

Conditions:
Glanzmann thrombasthenia 1 (GT1). Also called: BLEEDING DISORDER, PLATELET-TYPE, 2; GP IIb-IIIa COMPLEX DEFICIENCY; GLYCOPROTEIN COMPLEX IIb-IIIa DEFICIENCY; PLATELET FIBRINOGEN RECEPTOR DEFICIENCY. Identifiers: MedGen CN300358, MONDO:0031332, OMIM 273800.
Glanzmann thrombasthenia. Also called: THROMBASTHENIA OF GLANZMANN AND NAEGELI; Glanzmann's thrombasthenia; PLATELET GLYCOPROTEIN IIb-IIIa DEFICIENCY; Thrombasthenia. Identifiers: Orphanet 849, MedGen C0040015, MONDO:0100326.

Submissions (2):

ClinGen Platelet Disorders Variant Curation Expert Panel, ClinGen
Classification: Likely pathogenic for Glanzmann thrombasthenia. Last evaluated: 2024-05-02. Review status: reviewed by expert panel. Criteria: ClinGen Platelet ACMG Specifications v2-1. Collection method: curation. Allele origin: germline. Inheritance: Autosomal recessive inheritance.
Comment: The NM_000419.5(ITGA2B):c.818G>A (p.Gly273Asp) variant has been reported, in the homozygous state (PM3_supporting), in at least one proband (PMID: 8282784) with a GT-specific phenotype. The patient in PMID: 8282784 meets the criteria for PP4_moderate; including mucocutaneous bleeding and impaired aggregation with all agonists except ristocetin. Additionally, the patient had <5% expression by flow cytometry. The variant is absent from gnomADv4.0 (PM2_supporting) and is predicted deleterious (REVEL score 0.845; PP3). Heterologous expression followed by the preferred assays, of either Western blot or flow cytometry, has not been reported for this variant. However in PMID: 8282784, to test for mutant complexes on the cell surface, COS-1 cells were cotransfected with WT ITGB3 and Gly273Asp ITGA2B, cells were surface labeled with 125I and immunoprecipitated, then labeled heterodimers were detected on the surface of cotransfected cells containing wildtype ITGA2B but not on the surface of cells containing Gly273Asp. PMID: 8916916 reports similar immunoprecipitation results. These results were considered sufficient evidence of impaired surface expression for application of the PS3_moderate criteria. In summary, this variant meets criteria to be classified as likely pathogenic for GT. GT-specific criteria applied: PS3_moderate, PM2_supporting, PM3_supporting, PP3, and PP4_moderate.

OMIM
Classification: Pathogenic for GLANZMANN THROMBASTHENIA 1. Last evaluated: 1994-01-01. Review status: no assertion criteria provided. Collection method: literature only. Allele origin: germline. Not counted in ClinVar's aggregate classification.

Literature cited by the submitters: PubMed 8282784 (cited by ClinGen Platelet Disorders Variant Curation Expert Panel, ClinGen and OMIM).

NM_000419.5(ITGA2B):c.818G>A (p.Gly273Asp)

Gene: ITGA2B (integrin subunit alpha 2b; minus strand). Cytogenetic location: 17q21.31.
Variant type: single nucleotide variant.
Coding change: c.818G>A on transcript NM_000419.5 (MANE Select); coding-DNA position 818, G replaced by A.
Protein change: p.Gly273Asp; replaces glycine 273 with aspartic acid.
Molecular consequence: missense variant.
Genome position (GRCh38, 1-based): chr17:44,384,567, C>T on the plus strand (G>A on the coding strand, the complement: ITGA2B is on the minus strand). VCF-style: chr17-44384567-C-T. GRCh37 (hg19) VCF-style: chr17-42461935-C-T.
Other names: c.818G>A, p.Gly273Asp (LRG_479t1); short protein forms G273D.
Identifiers: ClinVar variation 2894 (VCV000002894.4), dbSNP rs137852907, ClinGen allele CA115837.
Genomic context (GRCh38, chr17:44,384,567, plus strand): 5'-ACCCAACTCCCGCCCTAAGTGGATTTCTTGCCTGTAGTGTTGAGATCCCCGTCGAACTCG[C>T]CCACGGCCACCGAGTACCCTGAGGACAAGGGCGCAAATTAGTCTTTTCCAGGGGAGGAAG-3'
Protein context (NP_000410.2, residues 263-283): DGYWGYSVAV[Gly273Asp]EFDGDLNTTE